The following is an entry in ClinVar:

ClinVar aggregate classification (germline): Uncertain significance (1 of 4 stars; one submission).

Conditions:
Hereditary cancer-predisposing syndrome. Also called: Neoplastic Syndromes, Hereditary; Tumor predisposition; Hereditary Cancer Syndrome; Hereditary neoplastic syndrome. Identifiers: Orphanet 140162, MedGen C0027672, MeSH D009386, MONDO:0015356.

Submission:

Ambry Genetics
Classification: Uncertain significance for Hereditary cancer-predisposing syndrome. Last evaluated: 2026-04-04. Review status: criteria provided, single submitter. Criteria: Ambry Variant Classification Scheme 2023. Collection method: clinical testing. Allele origin: germline.
Comment: The p.V1471A variant (also known as c.4412T>C), located in coding exon 29 of the ALK gene, results from a T to C substitution at nucleotide position 4412. The valine at codon 1471 is replaced by alanine, an amino acid with similar properties. This amino acid position is conserved. In addition, this alteration is predicted to be tolerated by in silico analysis. Based on the available evidence, the clinical significance of this variant remains unclear.

NM_004304.5(ALK):c.4412T>C (p.Val1471Ala)

Gene: ALK (ALK receptor tyrosine kinase; minus strand). Cytogenetic location: 2p23.2.
Variant type: single nucleotide variant.
Coding change: c.4412T>C on transcript NM_004304.5 (MANE Select); coding-DNA position 4412, T replaced by C.
Protein change: p.Val1471Ala; replaces valine 1471 with alanine.
Molecular consequence: missense variant.
Genome position (GRCh38, 1-based): chr2:29,193,675, A>G on the plus strand (T>C on the coding strand, the complement: ALK is on the minus strand). VCF-style: chr2-29193675-A-G. GRCh37 (hg19) VCF-style: chr2-29416541-A-G.
Other names: c.1208T>C, p.Val403Ala (NM_001353765.2); short protein forms V1471A, V403A.
Identifiers: ClinVar variation 4870000 (VCV004870000.1).